The following is an entry in ClinVar:

NM_003482.4(KMT2D):c.10874C>A (p.Pro3625His)

Gene: KMT2D (lysine methyltransferase 2D; minus strand). Cytogenetic location: 12q13.12.
Variant type: single nucleotide variant.
Coding change: c.10874C>A on transcript NM_003482.4 (MANE Select); coding-DNA position 10874, C replaced by A.
Protein change: p.Pro3625His; replaces proline 3625 with histidine.
Molecular consequence: missense variant.
Genome position (GRCh38, 1-based): chr12:49,033,831, G>T on the plus strand (C>A on the coding strand, the complement: KMT2D is on the minus strand). VCF-style: chr12-49033831-G-T. GRCh37 (hg19) VCF-style: chr12-49427614-G-T.
Other names: short protein forms P3625H.
Identifiers: ClinVar variation 3345043 (VCV003345043.1).
Genomic context (GRCh38, chr12:49,033,831, plus strand): 5'-TGTGGTGGCTGCAGCCCATGGCCAGGGAGCAGCTGACCAGGGAGCTTGGTGAGCAGCCGG[G>T]GACTCTGGGAAGGGCTGAGAGCCAGCACAGCTGAGTGCTGTTGCTGTTGTTGCTGCTGCT-3'
Protein context (NP_003473.3, residues 3615-3635): AVLALSPSQS[Pro3625His]RLLTKLPGQL

ClinVar aggregate classification (germline): Uncertain significance (0 of 4 stars; one submission).

Conditions:
KMT2D-related disorder. Also called: KMT2D-Related Disorders.

gnomAD v4.1: 1 of 1,576,484 alleles (0.000063%); highest among the groups gnomAD compares: Admixed American, 0.0018%; no homozygotes.

Submission:

PreventionGenetics, part of Exact Sciences
Classification: Uncertain significance for KMT2D-related condition. Last evaluated: 2024-08-19. Review status: no assertion criteria provided. Collection method: clinical testing. Allele origin: germline.
Comment: The KMT2D c.10874C>A variant is predicted to result in the amino acid substitution p.Pro3625His. To our knowledge, this variant has not been reported in the literature. This variant is reported in 0.0036% of alleles in individuals of Latino descent in gnomAD. At this time, the clinical significance of this variant is uncertain due to the absence of conclusive functional and genetic evidence.